The following is an entry in ClinVar:

ClinVar aggregate classification (germline): Pathogenic/Likely pathogenic. Review status: criteria provided, multiple submitters, no conflicts (2 of 4 stars). 3 submissions from 3 submitters: Pathogenic (1); Likely pathogenic (2). Last evaluated 2025-11-06.

Conditions:
PEX6-related disorder. Also called: PEX6-related disorders; PEX6-related condition.
Zellweger spectrum disorders (ZS). Also called: Zellweger syndrome; Zellweger Spectrum Disorder; Zellweger Spectrum; Zellweger Spectrum Disorder (ZSD). Identifiers: Orphanet 912, MedGen C0043459, MONDO:0019609.

Submissions (3):

Natera, Inc.
Classification: Likely pathogenic for Zellweger syndrome. Last evaluated: 2025-11-06. Review status: criteria provided, single submitter. Criteria: Natera Variant Classification Schema (03/2026). Collection method: clinical testing. Allele origin: germline.
Comment: The c.2314G>T variant in PEX6 is a nonsense variant predicted to introduce a stop codon at amino acid 772. This variant is expected to result in nonsense mediated decay, truncation, or a dysfunctional protein product. This variant is rare in the general population with a frequency below the threshold expected for the associated phenotype(s). Given the available evidence, this variant is classified as Likely Pathogenic.

PreventionGenetics, part of Exact Sciences
Classification: Pathogenic for PEX6-related condition. Last evaluated: 2025-02-17. Review status: criteria provided, single submitter. Criteria: ACMG Guidelines, 2015. Collection method: clinical testing. Allele origin: germline.
Comment: The PEX6 c.2314G>T variant is predicted to result in premature protein termination (p.Glu772*). To our knowledge, this variant has not been reported in the literature or in a large population database (gnomAD), indicating this variant is rare. Nonsense variants in PEX6 are expected to be pathogenic. This variant is interpreted as pathogenic.

GeneDx
Classification: Likely pathogenic. Last evaluated: 2023-03-14. Review status: criteria provided, single submitter. Criteria: GeneDx Variant Classification Process June 2021. Collection method: clinical testing. Allele origin: germline. Affected: yes.
Comment: Nonsense variant predicted to result in protein truncation or nonsense mediated decay in a gene for which loss of function is a known mechanism of disease; Not observed at significant frequency in large population cohorts (gnomAD); Has not been previously published as pathogenic or benign to our knowledge

NM_000287.4(PEX6):c.2314G>T (p.Glu772Ter)

Gene: PEX6 (peroxisomal biogenesis factor 6; minus strand). Cytogenetic location: 6p21.1.
Variant type: single nucleotide variant.
Coding change: c.2314G>T on transcript NM_000287.4 (MANE Select); coding-DNA position 2314, G replaced by T.
Protein change: p.Glu772Ter; replaces glutamic acid 772 with a stop codon.
Molecular consequence: nonsense.
Genome position (GRCh38, 1-based): chr6:42,966,092, C>A on the plus strand (G>T on the coding strand, the complement: PEX6 is on the minus strand). VCF-style: chr6-42966092-C-A. GRCh37 (hg19) VCF-style: chr6-42933830-C-A.
Other names: c.2050G>T, p.Glu684Ter (NM_001316313.2); short protein forms E684*, E772*.
Identifiers: ClinVar variation 2579803 (VCV002579803.3), dbSNP rs2481205835, ClinGen allele CA364151973.
Genomic context (GRCh38, chr6:42,966,092, plus strand): 5'-CTGCTCACTCACCTTCCCGCACATTCTCCTCACTTTGGCCCACATACATGTTAATGAGCT[C>A]TGGCCCCTTCACGCTGAGTGAGAGGATGTGAGAAGGTGAGAGCCGTCAGATGCACATACA-3'